The following is an entry in ClinVar:

NM_022552.5(DNMT3A):c.894del (p.Lys299fs)

Gene: DNMT3A (DNA methyltransferase 3 alpha; minus strand). Cytogenetic location: 2p23.3.
Variant type: Deletion.
Coding change: c.894del on transcript NM_022552.5 (MANE Select); coding-DNA position 894, one base deleted (G; older notation c.894delG).
Protein change: p.Lys299fs; shifts the reading frame from lysine 299.
Molecular consequence: frameshift variant. On other transcripts: non-coding transcript variant (1).
Genome position (GRCh38, 1-based): chr2:25,247,711, C deleted on the plus strand (G on the coding strand, the reverse complement: DNMT3A is on the minus strand); the first of 5 consecutive C bases (chr2:25,247,711-25,247,715); deleting any one gives the same sequence. VCF-style (leftmost placement, unchanged base first): chr2-25247710-TC-T. GRCh37 (hg19) VCF-style: chr2-25470579-TC-T.
Other names: c.438del, p.Lys147fs (NM_001320893.1); c.225del, p.Lys76fs (NM_001375819.1); c.327del, p.Lys110fs (NM_153759.3); c.894del, p.Lys299fs (NM_175629.2); short protein forms K110fs, K147fs, K299fs, K76fs.
Identifiers: ClinVar variation 4683101 (VCV004683101.1).

ClinVar aggregate classification (germline): Likely pathogenic (1 of 4 stars; one submission).

Conditions:
Acute myeloid leukemia (AML). Also called: Acute myeloid leukemia, adult; AML adult; Acute non-lymphocytic leukemia; Acute granulocytic leukemia; Leukemia, acute myeloid, somatic; Leukemia, acute myelogenous, somatic. Identifiers: Orphanet 519, MedGen C0023467, MeSH D015470, MONDO:0018874, OMIM 601626, HP:0004808. Disease mechanism: Constitutively activated FLT3.

Submission:

Institute of Human Genetics, University of Leipzig Medical Center
Classification: Likely pathogenic for Acute myeloid leukemia. Last evaluated: 2025-12-01. Review status: criteria provided, single submitter. Criteria: ACMG Guidelines, 2015. Collection method: clinical testing. Allele origin: unknown. Affected: yes.
Comment: Criteria applied: PVS1,PM2_SUP